The following is an entry in ClinVar:

ClinVar aggregate classification (germline): Pathogenic/Likely pathogenic. Review status: criteria provided, multiple submitters, no conflicts (2 of 4 stars). 8 submissions from 8 submitters: Pathogenic (5); Likely pathogenic (1). 2 of the submissions do not count toward it. Last evaluated 2026-03-06.

Conditions:
Dystonia 12 (DYT12). Also called: DYT-ATP1A3; Rapid-Onset Dystonia-Parkinsonism (RDP). Identifiers: Orphanet 71517, MedGen C1868681, MONDO:0007496, OMIM 128235.

Submissions (8):

Dasa
Classification: Pathogenic. Last evaluated: 2026-03-06. Review status: criteria provided, single submitter. Criteria: DASA Assertion Criteria. Collection method: clinical testing. Allele origin: germline.
Comment: NM_152296.5(ATP1A3):c.829G>A (p.Glu277Lys) is a missense variant that results in the substitution of glutamic acid with lysine. The affected residue or protein region has prior evidence supporting clinical relevance. De novo occurrence has been reported in an individual with related phenotype. Functional evidence supports a deleterious effect on the gene or gene product (PMID: 15260953; PMID: 20558373; PMID: 39731885; PMID: 17282997; PMID: 25439493). This variant has been recurrently observed in individuals with related phenotype (PMID: 15260953; PMID: 20558373; PMID: 39731885; PMID: 17282997; PMID: 25439493). Multiple computational predictions support a deleterious effect on the gene or gene product. The variant is present at low frequency in population datasets. Based on the available data, this variant is classified as pathogenic.

GeneDx
Classification: Pathogenic. Last evaluated: 2024-01-18. Review status: criteria provided, single submitter. Criteria: GeneDx Variant Classification Process June 2021. Collection method: clinical testing. Allele origin: germline. Affected: yes.
Comment: In silico analysis, which includes protein predictors and evolutionary conservation, supports a deleterious effect; Not observed in large population cohorts (gnomAD); This variant is associated with the following publications: (PMID: 30363590, 25447930, 15260953, 25439493, 17282997, 29396171, 27835968, 30550795, 27577505, 24739246, 26417536, 22067897, 27313535, 31361359, 33451880, 26297560)

3billion
Classification: Likely pathogenic for Dystonia 12. Last evaluated: 2023-08-08. Review status: criteria provided, single submitter. Criteria: ACMG Guidelines, 2015. Collection method: clinical testing. Allele origin: germline. Affected: yes.
Comment: The variant is not observed in the gnomAD v2.1.1 dataset. Predicted Consequence/Location: Missense changes are a common disease-causing mechanism. In silico tool predictions suggest damaging effect of the variant on gene or gene product [REVEL: 0.93 (>=0.6, sensitivity 0.68 and specificity 0.92); 3Cnet: 0.80 (>=0.6, sensitivity 0.72 and precision 0.9)]. Same nucleotide change resulting in same amino acid change has been previously reported as pathogenic/likely pathogenic with strong evidence (ClinVar ID: VCV000012911 /PMID: 15260953). Therefore, this variant is classified as Likely pathogenic according to the recommendation of ACMG/AMP guideline.

Baylor Genetics
Classification: Pathogenic for Dystonia 12. Last evaluated: 2023-05-16. Review status: criteria provided, single submitter. Criteria: ACMG Guidelines, 2015. Collection method: clinical testing. Allele origin: unknown.

Johns Hopkins Genomics, Johns Hopkins University
Classification: Pathogenic for Dystonia 12. Last evaluated: 2022-07-01. Review status: criteria provided, single submitter. Criteria: ACMG Guidelines, 2015. Collection method: clinical testing. Allele origin: germline.
Comment: This ATP1A3 variant (rs80356533) is absent from a large population dataset and has been reported in ClinVar. It has been reported in the literature in at least four unrelated individuals with DYT12. Three bioinformatic tools queried predict that this substitution would be damaging, and the glutamate residue at this position is strongly evolutionarily conserved across the vertebrate species assessed. p.Glu277Lys showed reduced survival in an in vitro cell viability assay (quabain sensitivity) and reduced protein expression in transiently transfected HEK293T cells. Bioinformatic analysis predicts that this missense variant would not affect normal exon 8 splicing, although this has not been confirmed experimentally to our knowledge. We consider c.829G>A to be pathogenic.

Labcorp Genetics (formerly Invitae), Labcorp
Classification: Pathogenic for Dystonia 12. Last evaluated: 2020-04-24. Review status: criteria provided, single submitter. Criteria: Invitae Variant Classification Sherloc (09022015). Collection method: clinical testing. Allele origin: germline.
Comment: This sequence change replaces glutamic acid with lysine at codon 277 of the ATP1A3 protein (p.Glu277Lys). The glutamic acid residue is highly conserved and there is a small physicochemical difference between glutamic acid and lysine. This variant is not present in population databases (ExAC no frequency). This variant has been reported in individuals affected with rapid-onset dystonia-parkinsonism (RDP) as well as in an individual with alternating hemiplegia of childhood (AHC) (PMID: 15260953, 17282997, 20558373, 25439493). ClinVar contains an entry for this variant (Variation ID: 12911). This variant has been reported to affect ATP1A3 protein function (PMID: 15260953). For these reasons, this variant has been classified as Pathogenic.

OMIM
Classification: Pathogenic for DYSTONIA 12. Last evaluated: 2010-06-10. Review status: no assertion criteria provided. Collection method: literature only. Allele origin: germline. Not counted in ClinVar's aggregate classification.

GeneReviews
No classification provided. Condition: Dystonia 12. Review status: no classification provided. Collection method: literature only. Allele origin: de novo. Affected: yes. Not counted in ClinVar's aggregate classification.

Literature cited by the submitters: PubMed 15260953 (cited by 6 submitters); PubMed 20558373 (cited by 4 submitters); PubMed 39731885 (cited by Dasa); PubMed 17282997 (cited by 3 submitters); PubMed 25439493 (cited by Dasa and Labcorp Genetics (formerly Invitae), Labcorp); PubMed 20301294 (cited by Johns Hopkins Genomics, Johns Hopkins University); PubMed 33451880 (cited by Johns Hopkins Genomics, Johns Hopkins University); PubMed 33868146 (cited by Johns Hopkins Genomics, Johns Hopkins University); NCBI Bookshelf NBK1115 (cited by GeneReviews).

NM_152296.5(ATP1A3):c.829G>A (p.Glu277Lys)

Gene: ATP1A3 (ATPase Na+/K+ transporting subunit alpha 3; minus strand). Cytogenetic location: 19q13.2.
Variant type: single nucleotide variant.
Coding change: c.829G>A on transcript NM_152296.5 (MANE Select); coding-DNA position 829, G replaced by A.
Protein change: p.Glu277Lys; replaces glutamic acid 277 with lysine.
Molecular consequence: missense variant.
Genome position (GRCh38, 1-based): chr19:41,985,082, C>T on the plus strand (G>A on the coding strand, the complement: ATP1A3 is on the minus strand). VCF-style: chr19-41985082-C-T. GRCh37 (hg19) VCF-style: chr19-42489234-C-T.
Other names: c.862G>A, p.Glu288Lys (NM_001256213.2); c.868G>A, p.Glu290Lys (NM_001256214.2); short protein forms E277K, E290K, E288K.
Identifiers: ClinVar variation 12911 (VCV000012911.15), dbSNP rs80356533, ClinGen allele CA341235.